The following is an entry in ClinVar:

ClinVar aggregate classification (germline): Likely benign (0 of 4 stars; one submission).

Conditions:
SEMA3C-related disorder. Also called: SEMA3C-related condition.

gnomAD v4.1: 1 of 1,288,588 alleles (0.000078%); highest among the groups gnomAD compares: African/African-American, 0.0015%; no homozygotes.

Submission:

PreventionGenetics, part of Exact Sciences
Classification: Likely benign for SEMA3C-related condition. Last evaluated: 2023-08-02. Review status: no assertion criteria provided. Collection method: clinical testing. Allele origin: germline.
Comment: This variant is classified as likely benign based on ACMG/AMP sequence variant interpretation guidelines (Richards et al. 2015 PMID: 25741868, with internal and published modifications).

NM_001350120.2(SEMA3C):c.16+9A>T

Gene: SEMA3C (semaphorin 3C; minus strand). Cytogenetic location: 7q21.11.
Variant type: single nucleotide variant.
Coding change: c.16+9A>T on transcript NM_001350120.2; 9 bases into the intron after coding-DNA position 16, A replaced by T.
Molecular consequence: intron variant.
Genome position (GRCh38, 1-based): chr7:80,922,256, T>A on the plus strand (A>T on the coding strand, the complement: SEMA3C is on the minus strand). VCF-style: chr7-80922256-T-A. GRCh37 (hg19) VCF-style: chr7-80551572-T-A.
Identifiers: ClinVar variation 3030994 (VCV003030994.2), dbSNP rs915711138, ClinGen allele CA161500871.